The following is an entry in ClinVar:

ClinVar aggregate classification (germline): Uncertain significance (1 of 4 stars; one submission).

Conditions:
Cowden syndrome (CS). Also called: Cowden's disease; Cowden's syndrome; Cowden disease. Identifiers: Orphanet 201, MedGen C0018553, MONDO:0016063. Disease mechanism: gain of function.

gnomAD v4.1: 10 of 1,612,672 alleles (0.00062%); highest among the groups gnomAD compares: Admixed American, 0.0033%; no homozygotes.

Submission:

Labcorp Genetics (formerly Invitae), Labcorp
Classification: Uncertain significance for Cowden syndrome. Last evaluated: 2024-09-16. Review status: criteria provided, single submitter. Criteria: Invitae Variant Classification Sherloc (09022015). Collection method: clinical testing. Allele origin: germline.
Comment: This sequence change replaces histidine, which is basic and polar, with arginine, which is basic and polar, at codon 994 of the PIK3CA protein (p.His994Arg). This variant is present in population databases (rs373295359, gnomAD 0.003%). This variant has not been reported in the literature in individuals affected with PIK3CA-related conditions. Invitae Evidence Modeling of protein sequence and biophysical properties (such as structural, functional, and spatial information, amino acid conservation, physicochemical variation, residue mobility, and thermodynamic stability) has been performed for this missense variant. However, the output from this modeling did not meet the statistical confidence thresholds required to predict the impact of this variant on PIK3CA protein function. In summary, the available evidence is currently insufficient to determine the role of this variant in disease. Therefore, it has been classified as a Variant of Uncertain Significance.

NM_006218.4(PIK3CA):c.2981A>G (p.His994Arg)

Gene: PIK3CA (phosphatidylinositol-4,5-bisphosphate 3-kinase catalytic subunit alpha; plus strand). Cytogenetic location: 3q26.32.
Variant type: single nucleotide variant.
Coding change: c.2981A>G on transcript NM_006218.4 (MANE Select); coding-DNA position 2981, A replaced by G.
Protein change: p.His994Arg; replaces histidine 994 with arginine.
Molecular consequence: missense variant.
Genome position (GRCh38, 1-based): chr3:179,234,138, A>G. VCF-style: chr3-179234138-A-G. GRCh37 (hg19) VCF-style: chr3-178951926-A-G.
Other names: short protein forms H994R.
Identifiers: ClinVar variation 3703708 (VCV003703708.2).